The following is an entry in ClinVar:

NM_014991.6(WDFY3):c.602T>C (p.Val201Ala)

Gene: WDFY3 (WD repeat and FYVE domain containing 3; minus strand). Cytogenetic location: 4q21.23.
Variant type: single nucleotide variant.
Coding change: c.602T>C on transcript NM_014991.6 (MANE Select); coding-DNA position 602, T replaced by C.
Protein change: p.Val201Ala; replaces valine 201 with alanine.
Molecular consequence: missense variant.
Genome position (GRCh38, 1-based): chr4:84,831,580, A>G on the plus strand (T>C on the coding strand, the complement: WDFY3 is on the minus strand). VCF-style: chr4-84831580-A-G. GRCh37 (hg19) VCF-style: chr4-85752733-A-G.
Other names: short protein forms V201A.
Identifiers: ClinVar variation 1693430 (VCV001693430.2), dbSNP rs1755741265, ClinGen allele CA357542125.
Genomic context (GRCh38, chr4:84,831,580, plus strand): 5'-GTTATTGCACTGAATAGAAGCTGGAGATCATCTTTCTGAGCCAGCTCCTCCGCAGGGGAA[A>G]CAAAACTGCACAGTTTCACTAAGATCTAAAAAATAAAACAAAACAAAACAAGAGTGTATA-3'
Protein context (NP_055806.2, residues 191-211): VQILVKLCSF[Val201Ala]SPAEELAQKD

ClinVar aggregate classification (germline): Uncertain significance (1 of 4 stars; one submission).

Allele frequency attached by ClinVar (database versions not stated): TOPMed below 0.00001.
gnomAD v4.1: 1 of 1,613,006 alleles (0.000062%); no homozygotes.

Submission:

GeneDx
Classification: Uncertain significance. Last evaluated: 2022-01-04. Review status: criteria provided, single submitter. Criteria: GeneDx Variant Classification Process June 2021. Collection method: clinical testing. Allele origin: germline. Affected: yes.
Comment: Not observed at significant frequency in large population cohorts (gnomAD); In silico analysis supports that this missense variant does not alter protein structure/function; Has not been previously published as pathogenic or benign to our knowledge